The following is an entry in ClinVar:

ClinVar aggregate classification (germline): Conflicting classifications of pathogenicity. Review status: criteria provided, conflicting classifications (1 of 4 stars). 2 submissions from 2 submitters: Uncertain significance (1); Likely benign (1). Last evaluated 2025-08-05.

Conditions:
Hereditary cancer-predisposing syndrome. Also called: Hereditary Cancer Syndrome; Neoplastic Syndromes, Hereditary; Tumor predisposition; Hereditary neoplastic syndrome. Identifiers: Orphanet 140162, MedGen C0027672, MeSH D009386, MONDO:0015356.
Retinoblastoma (RB1). Also called: RETINOBLASTOMA, SOMATIC. Identifiers: Orphanet 790, MedGen C0035335, MeSH D012175, MONDO:0008380, OMIM 180200, HP:0009919. Disease mechanism: loss of function. Inheritance: Both sporadic and heritable forms are tested..

Allele frequency attached by ClinVar (database versions not stated): gnomAD exomes below 0.00001.
gnomAD v4.1: 4 of 1,590,354 alleles (0.00025%); highest among the groups gnomAD compares: Non-Finnish European, 0.00034%; no homozygotes.

Submissions (2):

Ambry Genetics
Classification: Likely benign for Hereditary cancer-predisposing syndrome. Last evaluated: 2025-08-05. Review status: criteria provided, single submitter. Criteria: Ambry Variant Classification Scheme 2023. Collection method: clinical testing. Allele origin: germline.

Labcorp Genetics (formerly Invitae), Labcorp
Classification: Uncertain significance for Retinoblastoma. Last evaluated: 2022-03-29. Review status: criteria provided, single submitter. Criteria: Invitae Variant Classification Sherloc (09022015). Collection method: clinical testing. Allele origin: germline.
Comment: In summary, the available evidence is currently insufficient to determine the role of this variant in disease. Therefore, it has been classified as a Variant of Uncertain Significance. Algorithms developed to predict the effect of missense changes on protein structure and function output the following: SIFT: "Tolerated"; PolyPhen-2: "Benign"; Align-GVGD: "Class C0". The asparagine amino acid residue is found in multiple mammalian species, which suggests that this missense change does not adversely affect protein function. This variant has not been reported in the literature in individuals affected with RB1-related conditions. This variant is not present in population databases (gnomAD no frequency). This sequence change replaces serine, which is neutral and polar, with asparagine, which is neutral and polar, at codon 178 of the RB1 protein (p.Ser178Asn).

NM_000321.3(RB1):c.533G>A (p.Ser178Asn)

Gene: RB1 (RB transcriptional corepressor 1; plus strand). Cytogenetic location: 13q14.2.
Variant type: single nucleotide variant.
Coding change: c.533G>A on transcript NM_000321.3 (MANE Select); coding-DNA position 533, G replaced by A.
Protein change: p.Ser178Asn; replaces serine 178 with asparagine.
Molecular consequence: missense variant.
Genome position (GRCh38, 1-based): chr13:48,347,857, G>A. VCF-style: chr13-48347857-G-A. GRCh37 (hg19) VCF-style: chr13-48921993-G-A.
Other names: c.533G>A, p.Ser178Asn (NM_001407165.1, NM_001407166.1); short protein forms S178N.
Identifiers: ClinVar variation 1746924 (VCV001746924.8), dbSNP rs2138091710, ClinGen allele CA388156848.